The following is an entry in ClinVar:

NM_138425.4(C12orf57):c.41A>G (p.Glu14Gly)

Gene: C12orf57 (chromosome 12 open reading frame 57; plus strand). Cytogenetic location: 12p13.31.
Variant type: single nucleotide variant.
Coding change: c.41A>G on transcript NM_138425.4 (MANE Select); coding-DNA position 41, A replaced by G.
Protein change: p.Glu14Gly; replaces glutamic acid 14 with glycine.
Molecular consequence: missense variant. On other transcripts: 5 prime UTR variant (1), non-coding transcript variant (1), intron variant (1).
Genome position (GRCh38, 1-based): chr12:6,944,162, A>G. VCF-style: chr12-6944162-A-G. GRCh37 (hg19) VCF-style: chr12-7053325-A-G.
Other names: c.41A>G, p.Glu14Gly (NM_001301834.1, NM_001301837.2); c.-161A>G (NM_001301838.2); c.14-314A>G (NM_001301836.2); short protein forms E14G.
Identifiers: ClinVar variation 2144605 (VCV002144605.1), dbSNP rs1555145844, ClinGen allele CA383744221.
Genomic context (GRCh38, chr12:6,944,162, plus strand): 5'-CCTAGAGCTTCAGACGCCCTATGGCGTCCGCCTCGACCCAACCGGCGGCCTTGAGCGCTG[A>G]GCAAGCAAAGGGTGAGAATCGTCCTAGTCAAGGCATAGGCTGCTGGCCTGGGGTAGTCAA-3'
Protein context (NP_612434.1, residues 4-24): ASTQPAALSA[Glu14Gly]QAKVVLAEVI

ClinVar aggregate classification (germline): Uncertain significance (1 of 4 stars; one submission).

Conditions:
Temtamy syndrome (TEMTYS). Also called: MENTAL RETARDATION WITH OR WITHOUT CRANIOFACIAL DYSMORPHISM, OCULAR COLOBOMA, OR ABNORMAL CORPUS CALLOSUM. Identifiers: Orphanet 1777, MedGen C1857512, MONDO:0009033, OMIM 218340.

Allele frequency attached by ClinVar (database versions not stated): TOPMed below 0.00001; gnomAD 0.00001.

Submission:

Labcorp Genetics (formerly Invitae), Labcorp
Classification: Uncertain significance for Temtamy syndrome. Last evaluated: 2022-03-22. Review status: criteria provided, single submitter. Criteria: Invitae Variant Classification Sherloc (09022015). Collection method: clinical testing. Allele origin: germline.
Comment: This sequence change replaces glutamic acid, which is acidic and polar, with glycine, which is neutral and non-polar, at codon 14 of the C12orf57 protein (p.Glu14Gly). This variant is present in population databases (no rsID available, gnomAD 0.0009%). This variant has not been reported in the literature in individuals affected with C12orf57-related conditions. Algorithms developed to predict the effect of missense changes on protein structure and function are either unavailable or do not agree on the potential impact of this missense change (SIFT: "Deleterious"; PolyPhen-2: "Probably Damaging"; Align-GVGD: "Class C0"). In summary, the available evidence is currently insufficient to determine the role of this variant in disease. Therefore, it has been classified as a Variant of Uncertain Significance.